The following is an entry in ClinVar:

NC_000005.10:g.(?_119514971)_(119542004_?)del

Gene: HSD17B4 (hydroxysteroid 17-beta dehydrogenase 4; plus strand). Cytogenetic location: 5q23.1.
Variant type: Deletion.
Identifiers: ClinVar variation 831796 (VCV000831796.7).

ClinVar aggregate classification (germline): Likely pathogenic (1 of 4 stars; one submission).

Conditions:
Perrault syndrome. Also called: Gonadal dysgenesis with auditory dysfunction, autosomal recessive inheritance. Identifiers: Orphanet 2855, MedGen C0685838, MONDO:0017312.
Bifunctional peroxisomal enzyme deficiency (DBIF). Also called: DBP DEFICIENCY; PBFE DEFICIENCY; D-bifunctional protein deficiency. Identifiers: Orphanet 300, MedGen C0342870, MONDO:0009855, OMIM 261515. Disease mechanism: loss of function.

Submission:

Labcorp Genetics (formerly Invitae), Labcorp
Classification: Likely pathogenic for Perrault syndrome; Bifunctional peroxisomal enzyme deficiency. Last evaluated: 2020-10-07. Review status: criteria provided, single submitter. Criteria: Invitae Variant Classification Sherloc (09022015). Collection method: clinical testing. Allele origin: germline.
Comment: In summary, the currently available evidence indicates that the variant is pathogenic, but additional data are needed to prove that conclusively. Therefore, this variant has been classified as Likely Pathogenic. This variant disrupts the p.Arg506 amino acid residue in HSD17B4. Other variant(s) that disrupt this residue have been determined to be pathogenic (PMID: 16385454,¬†22864515,¬†25967389). This suggests that this residue is clinically-significant, and that variants that disrupt this residue are likely to be disease-causing. This variant has not been reported in the literature in individuals with HSD17B4-related conditions. This variant is a gross deletion of the genomic region encompassing exons 17-24 of the HSD17B4 gene. The 5' boundary is likely confined to intron 16. The 3' end of this event is unknown as it extends through the termination codon beyond the assayed region for this gene and may encompass additional genes. While this deletion is not anticipated to result in nonsense mediated decay, it is expected to create a truncated protein product or disrupt mRNA translation.

Literature cited by the submitters: PubMed 16385454.